The following is an entry in ClinVar:

ClinVar aggregate classification (germline): Uncertain significance (1 of 4 stars; one submission).

Submission:

Labcorp Genetics (formerly Invitae), Labcorp
Classification: Uncertain significance. Last evaluated: 2023-02-08. Review status: criteria provided, single submitter. Criteria: Invitae Variant Classification Sherloc (09022015). Collection method: clinical testing. Allele origin: germline.
Comment: This variant, c.1035_1043del, results in the deletion of 3 amino acid(s) of the IRF2BP2 protein (p.Asn345_Ser347del), but otherwise preserves the integrity of the reading frame. This variant is not present in population databases (gnomAD no frequency). This variant has not been reported in the literature in individuals affected with IRF2BP2-related conditions. Experimental studies and prediction algorithms are not available or were not evaluated, and the functional significance of this variant is currently unknown. In summary, the available evidence is currently insufficient to determine the role of this variant in disease. Therefore, it has been classified as a Variant of Uncertain Significance.

NM_182972.3(IRF2BP2):c.1035_1043del (p.Asn345_Ser347del)

Genes: IRF2BP2 (interferon regulatory factor 2 binding protein 2; minus strand), LOC129932810 (ATAC-STARR-seq lymphoblastoid active region 2760; plus strand). Cytogenetic location: 1q42.3.
Variant type: Deletion.
Coding change: c.1035_1043del on transcript NM_182972.3 (MANE Select); coding-DNA positions 1035 to 1043, 9 bases deleted (CGGGTCTAA; older notation c.1035_1043delCGGGTCTAA).
Protein change: p.Asn345_Ser347del.
Molecular consequence: inframe deletion. On other transcripts: intron variant (1).
Genome position (GRCh38, 1-based): chr1:234,608,452-234,608,460, TTAGACCCG deleted on the plus strand (CGGGTCTAA on the coding strand, the reverse complement: IRF2BP2 is on the minus strand); deleting any 9 consecutive bases within chr1:234,608,452-234,608,462 gives the same sequence; the c. name uses the placement nearest the transcript's 3' end. VCF-style (leftmost placement, unchanged base first): chr1-234608451-TTTAGACCCG-T. GRCh37 (hg19) VCF-style: chr1-234744197-TTTAGACCCG-T.
Other names: c.1000+35_1000+43del (NM_001077397.1).
Identifiers: ClinVar variation 2968312 (VCV002968312.3), dbSNP rs1672230215, ClinGen allele CA1013502993.
Genomic context (GRCh38, chr1:234,608,451, plus strand): 5'-TCTGCTCTCCGTCCCCTTTTCTCCCCTAGACCCCCTCACTTCACAGCCGCCCCTACCTGC[TTTAGACCCG>T]TTGGCCCCGTTGGCCTCGAAACCCAACAACCTGCCTGCAGTCAGGGCCGGCTCCTTCTTA-3'